The following is an entry in ClinVar:

NM_000037.4(ANK1):c.936G>A (p.Ala312=)

Gene: ANK1 (ankyrin 1; minus strand). Cytogenetic location: 8p11.21.
Variant type: single nucleotide variant.
Coding change: c.936G>A on transcript NM_000037.4 (MANE Select); coding-DNA position 936, G replaced by A.
Protein change: p.Ala312=; no amino-acid change (alanine 312 retained).
Molecular consequence: synonymous variant.
Genome position (GRCh38, 1-based): chr8:41,719,832, C>T on the plus strand (G>A on the coding strand, the complement: ANK1 is on the minus strand). VCF-style: chr8-41719832-C-T. GRCh37 (hg19) VCF-style: chr8-41577350-C-T.
Other names: c.1035G>A, p.Ala345= (NM_001142446.2); c.936G>A, p.Ala312= (NM_020475.3, NM_020476.3, NM_020477.3).
Identifiers: ClinVar variation 4873061 (VCV004873061.2).
Genomic context (GRCh38, chr8:41,719,832, plus strand): 5'-GTCTATCTCTGCGTCGTATTGCAACAGGAGCCGGACACAGTCGAGGTGGTCTCCCTGAGC[C>T]GCCATGTGAATTGGGGACAGGCCGTTCTGGGTAAAGAGGAAAACACAAGCAATCACAAAG-3'
Protein context (NP_000028.3, residues 302-322): TKNGLSPIHM[Ala312=]AQGDHLDCVR

ClinVar aggregate classification (germline): Likely benign (1 of 4 stars; one submission).

gnomAD v4.1: 11 of 1,614,200 alleles (0.00068%); highest among the groups gnomAD compares: East Asian, 0.0045%; no homozygotes.

Submission:

CeGaT Center for Human Genetics Tuebingen
Classification: Likely benign. Last evaluated: 2026-04-01. Review status: criteria provided, single submitter. Criteria: CeGaT Center For Human Genetics Tuebingen Variant Classification Criteria Version 2. Collection method: clinical testing. Allele origin: germline. Affected: yes. Observed: 1 variant allele.
Comment: ANK1: BP4, BP7